The following is an entry in ClinVar:

NM_138927.4(SON):c.2691G>A (p.Ala897=)

Gene: SON (SON DNA and RNA binding protein; plus strand). Cytogenetic location: 21q22.11.
Variant type: single nucleotide variant.
Coding change: c.2691G>A on transcript NM_138927.4 (MANE Select); coding-DNA position 2691, G replaced by A.
Protein change: p.Ala897=; no amino-acid change (alanine 897 retained).
Molecular consequence: synonymous variant. On other transcripts: non-coding transcript variant (1), intron variant (1).
Genome position (GRCh38, 1-based): chr21:33,551,922, G>A. VCF-style: chr21-33551922-G-A. GRCh37 (hg19) VCF-style: chr21-34924228-G-A.
Other names: c.2691G>A, p.Ala897= (NM_001291411.2, NM_032195.3); c.245-5234G>A (NM_001291412.3); c.2691G>A (NM_138927.2).
Identifiers: ClinVar variation 790892 (VCV000790892.41), dbSNP rs61746013, ClinGen allele CA10009154.

ClinVar aggregate classification (germline): Benign. Review status: criteria provided, multiple submitters, no conflicts (2 of 4 stars). 4 submissions from 4 submitters: Benign (3). 1 of the submissions does not count toward it. Last evaluated 2026-08-01.

Conditions:
SON-related disorder. Also called: SON-related condition.

Allele frequency attached by ClinVar (database versions not stated): gnomAD 0.00561 and 0.00577; TOPMed 0.00669; ESP Exome Variant Server 0.00446; 1000 Genomes Project 30x 0.00453; 1000 Genomes Project 0.00519.

Submissions (4):

CeGaT Center for Human Genetics Tuebingen
Classification: Benign. Last evaluated: 2026-08-01. Review status: criteria provided, single submitter. Criteria: CeGaT Center For Human Genetics Tuebingen Variant Classification Criteria Version 2. Collection method: clinical testing. Allele origin: germline. Affected: yes. Observed: 65 variant alleles.
Comment: SON: BP4, BP7, BS1, BS2

Labcorp Genetics (formerly Invitae), Labcorp
Classification: Benign. Last evaluated: 2026-01-28. Review status: criteria provided, single submitter. Criteria: Invitae Variant Classification Sherloc (09022015). Collection method: clinical testing. Allele origin: germline.

Breakthrough Genomics
Classification: Benign. Review status: criteria provided, single submitter. Criteria: ACMG Guidelines, 2015. Collection method: not provided. Allele origin: germline. Inheritance: Autosomal dominant inheritance. Affected: yes.

PreventionGenetics, part of Exact Sciences
Classification: Benign for SON-related condition. Last evaluated: 2019-10-24. Review status: no assertion criteria provided. Collection method: clinical testing. Allele origin: germline. Not counted in ClinVar's aggregate classification.
Comment: This variant is classified as benign based on ACMG/AMP sequence variant interpretation guidelines (Richards et al. 2015 PMID: 25741868, with internal and published modifications).